The following is an entry in ClinVar:

ClinVar aggregate classification (germline): Uncertain significance (1 of 4 stars; one submission).

Conditions:
Hereditary cancer-predisposing syndrome. Also called: Neoplastic Syndromes, Hereditary; Tumor predisposition; Hereditary Cancer Syndrome; Hereditary neoplastic syndrome. Identifiers: Orphanet 140162, MedGen C0027672, MeSH D009386, MONDO:0015356.

Submission:

Ambry Genetics
Classification: Uncertain significance for Hereditary cancer-predisposing syndrome. Last evaluated: 2021-09-07. Review status: criteria provided, single submitter. Criteria: Ambry Variant Classification Scheme 2023. Collection method: clinical testing. Allele origin: germline.
Comment: The p.S739Y variant (also known as c.2216C>A), located in coding exon 19 of the TSC2 gene, results from a C to A substitution at nucleotide position 2216. The serine at codon 739 is replaced by tyrosine, an amino acid with dissimilar properties. This amino acid position is not well conserved in available vertebrate species. In addition, the in silico prediction for this alteration is inconclusive. Since supporting evidence is limited at this time, the clinical significance of this alteration remains unclear.

NM_000548.5(TSC2):c.2216C>A (p.Ser739Tyr)

Gene: TSC2 (TSC complex subunit 2; plus strand). Cytogenetic location: 16p13.3.
Variant type: single nucleotide variant.
Coding change: c.2216C>A on transcript NM_000548.5 (MANE Select); coding-DNA position 2216, C replaced by A.
Protein change: p.Ser739Tyr; replaces serine 739 with tyrosine.
Molecular consequence: missense variant.
Genome position (GRCh38, 1-based): chr16:2,072,359, C>A. VCF-style: chr16-2072359-C-A. GRCh37 (hg19) VCF-style: chr16-2122360-C-A.
Other names: c.2216C>A, p.Ser739Tyr (NM_001077183.3, NM_001114382.3, NM_001363528.2 and 6 more transcripts); c.2105C>A, p.Ser702Tyr (NM_001318827.2, NM_001406670.1, NM_001406678.1); c.2069C>A, p.Ser690Tyr (NM_001318829.2, NM_001406675.1, NM_001406676.1 and 1 more transcripts); c.1616C>A, p.Ser539Tyr (NM_001318831.2, NM_001406680.1, NM_001406682.1 and 6 more transcripts); c.2249C>A, p.Ser750Tyr (NM_001318832.2); c.2306C>A, p.Ser769Tyr (NM_001406667.1, NM_001406668.1); c.2204C>A, p.Ser735Tyr (NM_001406671.1, NM_001406673.1); c.2159C>A, p.Ser720Tyr (NM_001406677.1); and 3 more; short protein forms S205Y, S585Y, S735Y, S750Y, S690Y, S720Y, S739Y, S769Y.
Identifiers: ClinVar variation 1787841 (VCV001787841.2), dbSNP rs2151319715, ClinGen allele CA394275164.